The following is an entry in ClinVar:

ClinVar aggregate classification (germline): Conflicting classifications of pathogenicity. Review status: criteria provided, conflicting classifications (1 of 4 stars). 3 submissions from 3 submitters: Uncertain significance (2); Likely benign (1). Last evaluated 2025-11-18.

Conditions:
Age related macular degeneration 1 (ARMD1). Also called: MACULOPATHY, AGE-RELATED, 1. Identifiers: MedGen C1864205, MONDO:0011285, OMIM 603075.

Allele frequency attached by ClinVar (database versions not stated): ESP Exome Variant Server 0.00008; ExAC 0.00012; gnomAD 0.00013 and 0.00014; gnomAD exomes 0.00013 and 0.00015; 1000 Genomes Project 30x 0.00016; TOPMed 0.00016; 1000 Genomes Project 0.00020.
gnomAD v4.1: 232 of 1,613,992 alleles (0.014%); highest among the groups gnomAD compares: Admixed American, 0.033%; no homozygotes.

Submissions (3):

Labcorp Genetics (formerly Invitae), Labcorp
Classification: Uncertain significance. Last evaluated: 2025-11-18. Review status: criteria provided, single submitter. Criteria: Invitae Variant Classification Sherloc (09022015). Collection method: clinical testing. Allele origin: germline.
Comment: This sequence change replaces proline, which is neutral and non-polar, with leucine, which is neutral and non-polar, at codon 3808 of the HMCN1 protein (p.Pro3808Leu). This variant is present in population databases (rs199984579, gnomAD 0.04%). This variant has not been reported in the literature in individuals affected with HMCN1-related conditions. ClinVar contains an entry for this variant (Variation ID: 294229). An algorithm developed to predict the effect of missense changes on protein structure and function outputs the following: PolyPhen-2: "Benign". The leucine amino acid residue is found in multiple mammalian species, which suggests that this missense change does not adversely affect protein function. In summary, the available evidence is currently insufficient to determine the role of this variant in disease. Therefore, it has been classified as a Variant of Uncertain Significance.

Ambry Genetics
Classification: Likely benign. Last evaluated: 2023-04-07. Review status: criteria provided, single submitter. Criteria: Ambry Variant Classification Scheme 2023. Collection method: clinical testing. Allele origin: germline.

Illumina Laboratory Services, Illumina
Classification: Uncertain significance for Age related macular degeneration 1. Last evaluated: 2018-01-12. Review status: criteria provided, single submitter. Criteria: ICSL Variant Classification Criteria 13 December 2019. Collection method: clinical testing. Allele origin: germline.

NM_031935.3(HMCN1):c.11423C>T (p.Pro3808Leu)

Gene: HMCN1 (hemicentin 1; plus strand). Cytogenetic location: 1q31.1.
Variant type: single nucleotide variant.
Coding change: c.11423C>T on transcript NM_031935.3 (MANE Select); coding-DNA position 11423, C replaced by T.
Protein change: p.Pro3808Leu; replaces proline 3808 with leucine.
Molecular consequence: missense variant.
Genome position (GRCh38, 1-based): chr1:186,115,276, C>T. VCF-style: chr1-186115276-C-T. GRCh37 (hg19) VCF-style: chr1-186084408-C-T.
Other names: short protein forms P3808L.
Identifiers: ClinVar variation 294229 (VCV000294229.11), dbSNP rs199984579, ClinGen allele CA1294046.